The following is an entry in ClinVar:

NM_000431.4(MVK):c.317G>A (p.Arg106His)

Gene: MVK (mevalonate kinase; plus strand). Cytogenetic location: 12q24.11.
Variant type: single nucleotide variant.
Coding change: c.317G>A on transcript NM_000431.4 (MANE Select); coding-DNA position 317, G replaced by A.
Protein change: p.Arg106His; replaces arginine 106 with histidine.
Molecular consequence: missense variant.
Genome position (GRCh38, 1-based): chr12:109,579,892, G>A. VCF-style: chr12-109579892-G-A. GRCh37 (hg19) VCF-style: chr12-110017697-G-A.
Other names: c.317G>A (LRG_156t1); c.317G>A, p.Arg106His (NM_001114185.3, NM_001301182.2); short protein forms R106H.
Identifiers: ClinVar variation 307093 (VCV000307093.7), dbSNP rs778337320, ClinGen allele CA6779217.
Genomic context (GRCh38, chr12:109,579,892, plus strand): 5'-AGCAAGTGGAGAAGCTAAAGGAGGTTGCAGGCTTGCCTGACGACTGTGCTGTCACCGAGC[G>A]CCTGGCTGTGCTGGCCTTTCTTTACTTATACCTGTCCATCTGCCGGAAGCAGAGGTGTGT-3'
Protein context (NP_000422.1, residues 96-116): GLPDDCAVTE[Arg106His]LAVLAFLYLY

ClinVar aggregate classification (germline): Uncertain significance. Review status: criteria provided, multiple submitters, no conflicts (2 of 4 stars). 4 submissions from 3 submitters: Uncertain significance (4). Last evaluated 2025-09-08.

Conditions:
Mevalonic aciduria (MEVA). Identifiers: Orphanet 29, MedGen C1959626, MONDO:0012481, OMIM 610377.
Porokeratosis 3, disseminated superficial actinic type (POROK3). Also called: POROKERATOSIS, DISSEMINATED SUPERFICIAL ACTINIC, 1; POROKERATOSIS 3, MULTIPLE TYPES; POROKERATOSIS 3, MIBELLI TYPE. Identifiers: MedGen C1867981, MONDO:0008293, OMIM 175900.
Hyperimmunoglobulin D with periodic fever (HIDS). Also called: HYPERIMMUNOGLOBULINEMIA D AND PERIODIC FEVER SYNDROME; Hyperimmunoglobulinemia D; Hyperimmunoglobulinemia D with periodic fever. Identifiers: Orphanet 343, MedGen C0398691, MONDO:0009849, OMIM 260920.

Allele frequency attached by ClinVar (database versions not stated): TOPMed 0.00001; gnomAD 0.00002; gnomAD exomes 0.00003 and 0.00004; ExAC 0.00007.

Submissions (4):

Labcorp Genetics (formerly Invitae), Labcorp
Classification: Uncertain significance for Mevalonic aciduria; Hyperimmunoglobulin D with periodic fever; Porokeratosis 3, disseminated superficial actinic type. Last evaluated: 2025-09-08. Review status: criteria provided, single submitter. Criteria: Invitae Variant Classification Sherloc (09022015). Collection method: clinical testing. Allele origin: germline.
Comment: This sequence change replaces arginine, which is basic and polar, with histidine, which is basic and polar, at codon 106 of the MVK protein (p.Arg106His). This variant is present in population databases (rs778337320, gnomAD 0.04%). This variant has not been reported in the literature in individuals affected with MVK-related conditions. ClinVar contains an entry for this variant (Variation ID: 307093). An algorithm developed to predict the effect of missense changes on protein structure and function outputs the following: PolyPhen-2: "Benign". The histidine amino acid residue is found in multiple mammalian species, which suggests that this missense change does not adversely affect protein function. In summary, the available evidence is currently insufficient to determine the role of this variant in disease. Therefore, it has been classified as a Variant of Uncertain Significance.

Fulgent Genetics
Classification: Uncertain significance for Porokeratosis 3, disseminated superficial actinic type; Hyperimmunoglobulin D with periodic fever; Mevalonic aciduria. Last evaluated: 2021-12-02. Review status: criteria provided, single submitter. Criteria: ACMG Guidelines, 2015. Collection method: clinical testing. Allele origin: unknown.

Illumina Laboratory Services, Illumina
Classification: Uncertain significance for Hyperimmunoglobulin D with periodic fever. Last evaluated: 2018-01-12. Review status: criteria provided, single submitter. Criteria: ICSL Variant Classification Criteria 13 December 2019. Collection method: clinical testing. Allele origin: germline.

Illumina Laboratory Services, Illumina
Classification: Uncertain significance for Mevalonic aciduria. Last evaluated: 2018-01-12. Review status: criteria provided, single submitter. Criteria: ICSL Variant Classification Criteria 13 December 2019. Collection method: clinical testing. Allele origin: germline.